The following is an entry in ClinVar:

ClinVar aggregate classification (germline): Uncertain significance. Review status: criteria provided, multiple submitters, no conflicts (2 of 4 stars). 3 submissions from 3 submitters: Uncertain significance (3). Last evaluated 2024-06-17.

Conditions:
Neurodevelopmental disorder with or without hyperkinetic movements and seizures, autosomal dominant. Also called: Intellectual disability, autosomal dominant 8. Identifiers: MedGen C3280282, MONDO:0013655, OMIM 614254.

Allele frequency attached by ClinVar (database versions not stated): TOPMed below 0.00001; gnomAD 0.00001; gnomAD exomes 0.00001.
gnomAD v4.1: 12 of 1,612,892 alleles (0.00074%); highest among the groups gnomAD compares: Non-Finnish European, 0.001%; no homozygotes.

Submissions (3):

GeneDx
Classification: Uncertain significance. Last evaluated: 2024-06-17. Review status: criteria provided, single submitter. Criteria: GeneDx Variant Classification Process June 2021. Collection method: clinical testing. Allele origin: germline. Affected: yes.
Comment: Not observed at significant frequency in large population cohorts (gnomAD); In silico analysis indicates that this missense variant does not alter protein structure/function; Has not been previously published as pathogenic or benign to our knowledge

Labcorp Genetics (formerly Invitae), Labcorp
Classification: Uncertain significance for Neurodevelopmental disorder with or without hyperkinetic movements and seizures, autosomal dominant. Last evaluated: 2023-04-04. Review status: criteria provided, single submitter. Criteria: Invitae Variant Classification Sherloc (09022015). Collection method: clinical testing. Allele origin: germline.
Comment: This sequence change replaces serine, which is neutral and polar, with asparagine, which is neutral and polar, at codon 416 of the GRIN1 protein (p.Ser416Asn). This variant is not present in population databases (gnomAD no frequency). This variant has not been reported in the literature in individuals affected with GRIN1-related conditions. Algorithms developed to predict the effect of missense changes on protein structure and function output the following: SIFT: "Not Available"; PolyPhen-2: "Benign"; Align-GVGD: "Not Available". The asparagine amino acid residue is found in multiple mammalian species, which suggests that this missense change does not adversely affect protein function. In summary, the available evidence is currently insufficient to determine the role of this variant in disease. Therefore, it has been classified as a Variant of Uncertain Significance.

Blueprint Genetics
Classification: Uncertain significance. Last evaluated: 2018-09-18. Review status: criteria provided, single submitter. Criteria: ACMG Guidelines, 2015. Collection method: clinical testing. Allele origin: germline.

NM_007327.4(GRIN1):c.1247G>A (p.Ser416Asn)

Gene: GRIN1 (glutamate ionotropic receptor NMDA type subunit 1; plus strand). Cytogenetic location: 9q34.3.
Variant type: single nucleotide variant.
Coding change: c.1247G>A on transcript NM_007327.4 (MANE Select); coding-DNA position 1247, G replaced by A.
Protein change: p.Ser416Asn; replaces serine 416 with asparagine.
Molecular consequence: missense variant.
Genome position (GRCh38, 1-based): chr9:137,161,105, G>A. VCF-style: chr9-137161105-G-A. GRCh37 (hg19) VCF-style: chr9-140055557-G-A.
Other names: c.1247G>A, p.Ser416Asn (NM_000832.7, NM_021569.4); c.1310G>A, p.Ser437Asn (NM_001185090.2, NM_001185091.2); c.1247G>A (NM_007327.3); short protein forms S416N, S437N.
Identifiers: ClinVar variation 3017191 (VCV003017191.5), dbSNP rs1833513036, ClinGen allele CA375715934.